The following is an entry in ClinVar:

ClinVar aggregate classification (germline): Likely pathogenic. Review status: criteria provided, single submitter (1 of 4 stars). 2 submissions from 2 submitters: Likely pathogenic (1). 1 of the submissions does not count toward it. Last evaluated 2026-01-23.

Conditions:
Bifunctional peroxisomal enzyme deficiency (DBIF). Also called: PBFE DEFICIENCY; DBP DEFICIENCY; D-bifunctional protein deficiency. Identifiers: Orphanet 300, MedGen C0342870, MONDO:0009855, OMIM 261515. Disease mechanism: loss of function.

Allele frequency attached by ClinVar (database versions not stated): gnomAD exomes below 0.00001.
gnomAD v4.1: 1 of 1,612,064 alleles (0.000062%); highest among the groups gnomAD compares: Non-Finnish European, 0.000085%; no homozygotes.

Submissions (2):

Natera, Inc.
Classification: Likely pathogenic for Bifunctional peroxisomal enzyme deficiency. Last evaluated: 2026-01-23. Review status: criteria provided, single submitter. Criteria: Natera Variant Classification Schema (03/2026). Collection method: clinical testing. Allele origin: germline.
Comment: The c.1994-2A>G variant in HSD17B4 is a canonical splice acceptor site variant predicted to affect pre-mRNA splicing, which may result in an abnormal transcript and altered protein product. This variant is expected to result in nonsense mediated decay, truncation, or a dysfunctional protein product. This variant is rare in the general population with a frequency below the threshold expected for the associated phenotype(s). Given the available evidence, this variant is classified as Likely Pathogenic.

Counsyl
Classification: Likely pathogenic for Bifunctional peroxisomal enzyme deficiency. Last evaluated: 2017-09-11. Review status: no assertion criteria provided. Collection method: clinical testing. Allele origin: unknown. Not counted in ClinVar's aggregate classification.

NM_000414.4(HSD17B4):c.1994-2A>G

Gene: HSD17B4 (hydroxysteroid 17-beta dehydrogenase 4; plus strand). Cytogenetic location: 5q23.1.
Variant type: single nucleotide variant.
Coding change: c.1994-2A>G on transcript NM_000414.4 (MANE Select); the canonical splice acceptor site of the intron before coding-DNA position 1994, A replaced by G.
Molecular consequence: splice acceptor variant.
Genome position (GRCh38, 1-based): chr5:119,536,421, A>G. VCF-style: chr5-119536421-A-G. GRCh37 (hg19) VCF-style: chr5-118872116-A-G.
Other names: c.1583-2A>G (NM_001374503.1, NM_001374502.1, NM_001374501.1); c.2069-2A>G (NM_001199291.3); c.1667-2A>G (NM_001374499.1); c.1553-2A>G (NM_001374500.1); c.1574-2A>G (NM_001292028.2); c.1922-2A>G (NM_001292027.2, NM_001374498.1); c.1985-2A>G (NM_001374497.1); c.1940-2A>G (NM_001199292.2).
Identifiers: ClinVar variation 553841 (VCV000553841.3), dbSNP rs1554069592, ClinGen allele CA360871898.